The following is an entry in ClinVar:

NM_000795.4(DRD2):c.1292T>C (p.Ile431Thr)

Gene: DRD2 (dopamine receptor D2; minus strand). Cytogenetic location: 11q23.2.
Variant type: single nucleotide variant.
Coding change: c.1292T>C on transcript NM_000795.4 (MANE Select); coding-DNA position 1292, T replaced by C.
Protein change: p.Ile431Thr; replaces isoleucine 431 with threonine.
Molecular consequence: missense variant.
Genome position (GRCh38, 1-based): chr11:113,410,767, A>G on the plus strand (T>C on the coding strand, the complement: DRD2 is on the minus strand). VCF-style: chr11-113410767-A-G. GRCh37 (hg19) VCF-style: chr11-113281489-A-G.
Other names: c.1205T>C, p.Ile402Thr (NM_016574.4); c.1292T>C (NM_000795.3); short protein forms I431T, I402T.
Identifiers: ClinVar variation 2891855 (VCV002891855.4), dbSNP rs376186482, ClinGen allele CA6281143.

ClinVar aggregate classification (germline): Uncertain significance. Review status: criteria provided, multiple submitters, no conflicts (2 of 4 stars). 2 submissions from 2 submitters: Uncertain significance (2). Last evaluated 2024-03-12.

Conditions:
Dystonic disorder. Also called: Dystonia. Identifiers: MedGen C0013421, MONDO:0003441, HP:0001332.

Allele frequency attached by ClinVar (database versions not stated): gnomAD 0.00005; ExAC 0.00006; 1000 Genomes Project 30x 0.00016; 1000 Genomes Project 0.00020.
gnomAD v4.1: 84 of 1,614,200 alleles (0.0052%); highest among the groups gnomAD compares: East Asian, 0.025%; no homozygotes.

Submissions (2):

Labcorp Genetics (formerly Invitae), Labcorp
Classification: Uncertain significance for Dystonic disorder. Last evaluated: 2024-03-12. Review status: criteria provided, single submitter. Criteria: Invitae Variant Classification Sherloc (09022015). Collection method: clinical testing. Allele origin: germline.
Comment: This sequence change replaces isoleucine, which is neutral and non-polar, with threonine, which is neutral and polar, at codon 431 of the DRD2 protein (p.Ile431Thr). This variant is present in population databases (rs376186482, gnomAD 0.04%), and has an allele count higher than expected for a pathogenic variant. This variant has not been reported in the literature in individuals affected with DRD2-related conditions. An algorithm developed to predict the effect of missense changes on protein structure and function (PolyPhen-2) suggests that this variant is likely to be tolerated. In summary, the available evidence is currently insufficient to determine the role of this variant in disease. Therefore, it has been classified as a Variant of Uncertain Significance.

Ambry Genetics
Classification: Uncertain significance. Last evaluated: 2024-02-06. Review status: criteria provided, single submitter. Criteria: Ambry Variant Classification Scheme 2023. Collection method: clinical testing. Allele origin: germline.